The following is an entry in ClinVar:

NM_001360.3(DHCR7):c.1366G>A (p.Gly456Ser)

Gene: DHCR7 (7-dehydrocholesterol reductase; minus strand). Cytogenetic location: 11q13.4.
Variant type: single nucleotide variant.
Coding change: c.1366G>A on transcript NM_001360.3 (MANE Select); coding-DNA position 1366, G replaced by A.
Protein change: p.Gly456Ser; replaces glycine 456 with serine.
Molecular consequence: missense variant.
Genome position (GRCh38, 1-based): chr11:71,435,437, C>T on the plus strand (G>A on the coding strand, the complement: DHCR7 is on the minus strand). VCF-style: chr11-71435437-C-T. GRCh37 (hg19) VCF-style: chr11-71146483-C-T.
Other names: c.1366G>A, p.Gly456Ser (NM_001163817.2); short protein forms G456S.
Identifiers: ClinVar variation 595131 (VCV000595131.15), dbSNP rs201847193, ClinGen allele CA6162247.

ClinVar aggregate classification (germline): Uncertain significance. Review status: criteria provided, multiple submitters, no conflicts (2 of 4 stars). 8 submissions from 8 submitters: Uncertain significance (6). 2 of the submissions do not count toward it. Last evaluated 2025-05-01.

Conditions:
Smith-Lemli-Opitz syndrome (SLOS). Also called: POLYDACTYLY, SEX REVERSAL, RENAL HYPOPLASIA, AND UNILOBAR LUNG; RSH SYNDROME; RUTLEDGE LETHAL MULTIPLE CONGENITAL ANOMALY SYNDROME; LETHAL ACRODYSGENITAL SYNDROME; 7-Dehydrocholesterol reductase deficiency. Identifiers: Orphanet 818, MedGen C0175694, MONDO:0010035, OMIM 270400.
DHCR7-related disorder. Also called: DHCR7-related condition.
Inborn genetic diseases. Identifiers: MedGen C0950123, MeSH D030342.

Allele frequency attached by ClinVar (database versions not stated): gnomAD exomes 0.00003 and 0.00011; 1000 Genomes Project 0.00020; 1000 Genomes Project 30x 0.00031; gnomAD 0.00004 and 0.00005; TOPMed 0.00010; ExAC 0.00013.

Submissions (8):

GeneDx
Classification: Uncertain significance. Last evaluated: 2025-05-01. Review status: criteria provided, single submitter. Criteria: GeneDx Variant Classification Process June 2021. Collection method: clinical testing. Allele origin: germline. Affected: yes.
Comment: In silico analysis supports that this missense variant has a deleterious effect on protein structure/function; Has not been previously published as pathogenic in association with SLOS or benign to our knowledge; This variant is associated with the following publications: (PMID: 30806031, 27527004, 32579932, 29300326, 24813812)

Women's Health and Genetics/Laboratory Corporation of America, LabCorp
Classification: Uncertain significance. Last evaluated: 2024-08-14. Review status: criteria provided, single submitter. Criteria: LabCorp Variant Classification Summary - May 2015. Collection method: clinical testing. Allele origin: germline.
Comment: Variant summary: DHCR7 c.1366G>A (p.Gly456Ser) results in a non-conservative amino acid change in the encoded protein sequence. Four of five in-silico tools predict a damaging effect of the variant on protein function. The variant allele was found at a frequency of 0.00011 in 248448 control chromosomes. This frequency is not significantly higher than estimated for a pathogenic variant in DHCR7 causing Smith-Lemli-Opitz Syndrome (0.00011 vs 0.0043), allowing no conclusion about variant significance. To our knowledge, no occurrence of c.1366G>A in individuals affected with Smith-Lemli-Opitz Syndrome and no experimental evidence demonstrating its impact on protein function have been reported. ClinVar contains an entry for this variant (Variation ID: 595131). Based on the evidence outlined above, the variant was classified as uncertain significance.

Fulgent Genetics
Classification: Uncertain significance for Smith-Lemli-Opitz syndrome. Last evaluated: 2024-03-14. Review status: criteria provided, single submitter. Criteria: ACMG Guidelines, 2015. Collection method: clinical testing. Allele origin: germline.

Labcorp Genetics (formerly Invitae), Labcorp
Classification: Uncertain significance for Smith-Lemli-Opitz syndrome. Last evaluated: 2022-06-13. Review status: criteria provided, single submitter. Criteria: Invitae Variant Classification Sherloc (09022015). Collection method: clinical testing. Allele origin: germline.
Comment: This sequence change replaces glycine, which is neutral and non-polar, with serine, which is neutral and polar, at codon 456 of the DHCR7 protein (p.Gly456Ser). This variant is present in population databases (rs201847193, gnomAD 0.07%). This missense change has been observed in individual(s) with Smith-Lemli-Opitz syndrome (PMID: 24813812). ClinVar contains an entry for this variant (Variation ID: 595131). Advanced modeling of protein sequence and biophysical properties (such as structural, functional, and spatial information, amino acid conservation, physicochemical variation, residue mobility, and thermodynamic stability) performed at Invitae indicates that this missense variant is expected to disrupt DHCR7 protein function. In summary, the available evidence is currently insufficient to determine the role of this variant in disease. Therefore, it has been classified as a Variant of Uncertain Significance.

Ambry Genetics
Classification: Uncertain significance for Inborn genetic diseases. Last evaluated: 2018-07-24. Review status: criteria provided, single submitter. Criteria: Ambry Variant Classification Scheme 2023. Collection method: clinical testing. Allele origin: germline.
Comment: The p.G456S variant (also known as c.1366G>A), located in coding exon 7 of the DHCR7 gene, results from a G to A substitution at nucleotide position 1366. The glycine at codon 456 is replaced by serine, an amino acid with similar properties. This amino acid position is highly conserved in available vertebrate species. In addition, this alteration is predicted to be deleterious by in silico analysis. Since supporting evidence is limited at this time, the clinical significance of this alteration remains unclear.

Eurofins Ntd Llc (ga)
Classification: Uncertain significance. Last evaluated: 2017-11-22. Review status: criteria provided, single submitter. Criteria: EGL Classification Definitions 2015. Collection method: clinical testing. Allele origin: germline. Observed: 1 variant allele, 1 heterozygote.

PreventionGenetics, part of Exact Sciences
Classification: Uncertain significance for DHCR7-related condition. Last evaluated: 2024-08-26. Review status: no assertion criteria provided. Collection method: clinical testing. Allele origin: germline. Not counted in ClinVar's aggregate classification.
Comment: The DHCR7 c.1366G>A variant is predicted to result in the amino acid substitution p.Gly456Ser. This variant has not been reported in the literature in patients with Smith-Lemli-Opitz syndrome. This variant is reported in 0.067% of alleles in individuals of Latino descent in gnomAD. Although we suspect that this variant may be benign, at this time, the clinical significance of this variant is uncertain due to the absence of conclusive functional and genetic evidence.

Natera, Inc.
Classification: Uncertain significance for Smith-Lemli-Opitz syndrome. Last evaluated: 2018-09-26. Review status: no assertion criteria provided. Collection method: clinical testing. Allele origin: germline. Not counted in ClinVar's aggregate classification.

Literature cited by the submitters: PubMed 24813812 (cited by Labcorp Genetics (formerly Invitae), Labcorp and Ambry Genetics).